The following is an entry in ClinVar:

ClinVar aggregate classification (germline): Uncertain significance (1 of 4 stars; one submission).

gnomAD v4.1: 5 of 1,612,880 alleles (0.00031%); highest among the groups gnomAD compares: Non-Finnish European, 0.00042%; no homozygotes.

Submission:

Labcorp Genetics (formerly Invitae), Labcorp
Classification: Uncertain significance. Last evaluated: 2022-06-28. Review status: criteria provided, single submitter. Criteria: Invitae Variant Classification Sherloc (09022015). Collection method: clinical testing. Allele origin: germline.
Comment: In summary, the available evidence is currently insufficient to determine the role of this variant in disease. Therefore, it has been classified as a Variant of Uncertain Significance. Variants that disrupt the consensus splice site are a relatively common cause of aberrant splicing (PMID: 17576681, 9536098). Algorithms developed to predict the effect of sequence changes on RNA splicing suggest that this variant may disrupt the consensus splice site. This variant has not been reported in the literature in individuals affected with SAMD11-related conditions. This variant is not present in population databases (gnomAD no frequency). This sequence change falls in intron 13 of the SAMD11 gene. It does not directly change the encoded amino acid sequence of the SAMD11 protein. It affects a nucleotide within the consensus splice site.

Literature cited by the submitters: PubMed 17576681; PubMed 9536098.

NM_001385641.1(SAMD11):c.2290-1G>A

Gene: SAMD11 (sterile alpha motif domain containing 11; plus strand). Cytogenetic location: 1p36.33.
Variant type: single nucleotide variant.
Coding change: c.2290-1G>A on transcript NM_001385641.1 (MANE Select); the canonical splice acceptor site of the intron before coding-DNA position 2290, G replaced by A.
Molecular consequence: splice acceptor variant.
Genome position (GRCh38, 1-based): chr1:943,907, G>A. VCF-style: chr1-943907-G-A. GRCh37 (hg19) VCF-style: chr1-879287-G-A.
Other names: c.2293-1G>A (NM_001385640.1); c.1801-1G>A (NM_152486.4).
Identifiers: ClinVar variation 1960195 (VCV001960195.5), dbSNP rs2522731237, ClinGen allele CA337817349.
Genomic context (GRCh38, chr1:943,907, plus strand): 5'-CAGCTGGGCAGAAAGCTCTGGGTGGGTGTGCGACAGCCCCCACCAGGCCATCTCTCTGCA[G>A]GTGGCCAGGCGCCTGGGCCGAGTTTTCTACGTGGCCAGCTTCCCCGTGGCTCTGCCACTG-3'